The following is an entry in ClinVar:

ClinVar aggregate classification (germline): Uncertain significance (1 of 4 stars; one submission).

Conditions:
Hypertrophic cardiomyopathy. Also called: HYPERTROPHIC MYOCARDIOPATHY. Identifiers: Orphanet 217569, MedGen C0007194, MeSH D002312, MONDO:0005045, HP:0001639.

Allele frequency attached by ClinVar (database versions not stated): gnomAD 0.00001; gnomAD exomes 0.00001; ExAC 0.00002.
gnomAD v4.1: 19 of 1,613,716 alleles (0.0012%); highest among the groups gnomAD compares: East Asian, 0.0022%; no homozygotes.

Submission:

Labcorp Genetics (formerly Invitae), Labcorp
Classification: Uncertain significance for Hypertrophic cardiomyopathy. Last evaluated: 2022-05-07. Review status: criteria provided, single submitter. Criteria: Invitae Variant Classification Sherloc (09022015). Collection method: clinical testing. Allele origin: germline.
Comment: In summary, the available evidence is currently insufficient to determine the role of this variant in disease. Therefore, it has been classified as a Variant of Uncertain Significance. Algorithms developed to predict the effect of missense changes on protein structure and function are either unavailable or do not agree on the potential impact of this missense change (SIFT: "Deleterious"; PolyPhen-2: "Probably Damaging"; Align-GVGD: "Class C0"). This variant has not been reported in the literature in individuals affected with MYOM1-related conditions. This variant is present in population databases (rs780730209, gnomAD 0.005%). This sequence change replaces glycine, which is neutral and non-polar, with arginine, which is basic and polar, at codon 1508 of the MYOM1 protein (p.Gly1508Arg).

NM_003803.4(MYOM1):c.4522G>A (p.Gly1508Arg)

Gene: MYOM1 (myomesin 1; minus strand). Cytogenetic location: 18p11.31.
Variant type: single nucleotide variant.
Coding change: c.4522G>A on transcript NM_003803.4 (MANE Select); coding-DNA position 4522, G replaced by A.
Protein change: p.Gly1508Arg; replaces glycine 1508 with arginine.
Molecular consequence: missense variant.
Genome position (GRCh38, 1-based): chr18:3,079,305, C>T on the plus strand (G>A on the coding strand, the complement: MYOM1 is on the minus strand). VCF-style: chr18-3079305-C-T. GRCh37 (hg19) VCF-style: chr18-3079303-C-T.
Other names: c.4234G>A, p.Gly1412Arg (NM_019856.2); short protein forms G1412R, G1508R.
Identifiers: ClinVar variation 1938611 (VCV001938611.5), dbSNP rs780730209, ClinGen allele CA8873912.